The following is an entry in ClinVar:

ClinVar aggregate classification (germline): Uncertain significance. Review status: criteria provided, multiple submitters, no conflicts (2 of 4 stars). 3 submissions from 3 submitters: Uncertain significance (3). Last evaluated 2026-01-19.

Conditions:
Hereditary cancer-predisposing syndrome. Also called: Neoplastic Syndromes, Hereditary; Tumor predisposition; Hereditary Cancer Syndrome; Hereditary neoplastic syndrome. Identifiers: Orphanet 140162, MedGen C0027672, MeSH D009386, MONDO:0015356.
Familial cancer of breast. Also called: BREAST CANCER, FAMILIAL; Hereditary breast cancer; hereditary breast carcinoma. Identifiers: Orphanet 227535, MedGen C0346153, MONDO:0016419, OMIM 114480. Disease mechanism: loss of function.

gnomAD v4.1: 1 of 1,613,462 alleles (0.000062%); highest among the groups gnomAD compares: South Asian, 0.0011%; no homozygotes.

Submissions (3):

Labcorp Genetics (formerly Invitae), Labcorp
Classification: Uncertain significance for Familial cancer of breast. Last evaluated: 2026-01-19. Review status: criteria provided, single submitter. Criteria: Invitae Variant Classification Sherloc (09022015). Collection method: clinical testing. Allele origin: germline.
Comment: This sequence change replaces arginine, which is basic and polar, with leucine, which is neutral and non-polar, at codon 150 of the BARD1 protein (p.Arg150Leu). This variant is not present in population databases (gnomAD no frequency). This missense change has been observed in individual(s) with BARD1-related conditions (PMID: 26757417). ClinVar contains an entry for this variant (Variation ID: 926872). An algorithm developed to predict the effect of missense changes on protein structure and function (PolyPhen-2) suggests that this variant is likely to be disruptive. In summary, the available evidence is currently insufficient to determine the role of this variant in disease. Therefore, it has been classified as a Variant of Uncertain Significance.

Ambry Genetics
Classification: Uncertain significance for Hereditary cancer-predisposing syndrome. Last evaluated: 2025-05-21. Review status: criteria provided, single submitter. Criteria: Ambry Variant Classification Scheme 2023. Collection method: clinical testing. Allele origin: germline.
Comment: The p.R150L variant (also known as c.449G>T), located in coding exon 4 of the BARD1 gene, results from a G to T substitution at nucleotide position 449. The arginine at codon 150 is replaced by leucine, an amino acid with dissimilar properties. This variant was detected in a cohort of 108 moderate to high-risk Malaysian breast cancer patients (Ng PS et al. Clin Genet, 2016 Oct;90:315-23). This amino acid position is highly conserved in available vertebrate species. In addition, the in silico prediction for this alteration is inconclusive. Based on the available evidence, the clinical significance of this variant remains unclear.

Color Diagnostics, LLC DBA Color Health
Classification: Uncertain significance for Hereditary cancer-predisposing syndrome. Last evaluated: 2019-06-24. Review status: criteria provided, single submitter. Criteria: ACMG Guidelines, 2015. Collection method: clinical testing. Allele origin: germline.

Literature cited by the submitters: PubMed 26757417 (cited by Labcorp Genetics (formerly Invitae), Labcorp and Ambry Genetics).

NM_000465.4(BARD1):c.449G>T (p.Arg150Leu)

Gene: BARD1 (BRCA1 associated RING domain 1; minus strand). Cytogenetic location: 2q35.
Variant type: single nucleotide variant.
Coding change: c.449G>T on transcript NM_000465.4 (MANE Select); coding-DNA position 449, G replaced by T.
Protein change: p.Arg150Leu; replaces arginine 150 with leucine.
Molecular consequence: missense variant. On other transcripts: non-coding transcript variant (2), intron variant (3).
Genome position (GRCh38, 1-based): chr2:214,781,425, C>A on the plus strand (G>T on the coding strand, the complement: BARD1 is on the minus strand). VCF-style: chr2-214781425-C-A. GRCh37 (hg19) VCF-style: chr2-215646149-C-A.
Other names: c.392G>T, p.Arg131Leu (NM_001282543.2); c.158+27987G>T (NM_001282548.2); c.215+15636G>T (NM_001282545.2); c.364+10872G>T (NM_001282549.2); c.449G>T (NM_000465.2); short protein forms R131L, R150L.
Identifiers: ClinVar variation 926872 (VCV000926872.8), dbSNP rs730881412, ClinGen allele CA350457712.